The following is an entry in ClinVar:

ClinVar aggregate classification (germline): Uncertain significance (1 of 4 stars; one submission).

Conditions:
Hereditary cancer-predisposing syndrome. Also called: Neoplastic Syndromes, Hereditary; Tumor predisposition; Hereditary Cancer Syndrome; Hereditary neoplastic syndrome. Identifiers: Orphanet 140162, MedGen C0027672, MeSH D009386, MONDO:0015356.

Submission:

Ambry Genetics
Classification: Uncertain significance for Hereditary cancer-predisposing syndrome. Last evaluated: 2020-03-26. Review status: criteria provided, single submitter. Criteria: Ambry Variant Classification Scheme 2023. Collection method: clinical testing. Allele origin: germline.
Comment: The p.M113K variant (also known as c.338T>A), located in coding exon 2 of the SMARCA4 gene, results from a T to A substitution at nucleotide position 338. The methionine at codon 113 is replaced by lysine, an amino acid with similar properties. This amino acid position is highly conserved in available vertebrate species. In addition, the in silico prediction for this alteration is inconclusive. Since supporting evidence is limited at this time, the clinical significance of this alteration remains unclear.

NM_003072.5(SMARCA4):c.338T>A (p.Met113Lys)

Gene: SMARCA4 (SWI/SNF related BAF chromatin remodeling complex subunit ATPase 4; plus strand). Cytogenetic location: 19p13.2.
Variant type: single nucleotide variant.
Coding change: c.338T>A on transcript NM_003072.5 (MANE Select); coding-DNA position 338, T replaced by A.
Protein change: p.Met113Lys; replaces methionine 113 with lysine.
Molecular consequence: missense variant. On other transcripts: non-coding transcript variant (1).
Genome position (GRCh38, 1-based): chr19:10,985,388, T>A. VCF-style: chr19-10985388-T-A. GRCh37 (hg19) VCF-style: chr19-11096064-T-A.
Other names: c.338T>A, p.Met113Lys (NM_001128844.3, NM_001128845.2, NM_001128846.2 and 6 more transcripts); short protein forms M113K.
Identifiers: ClinVar variation 1730892 (VCV001730892.2), dbSNP rs1175163671, ClinGen allele CA404055339.